The following is an entry in ClinVar:

NM_003105.6(SORL1):c.2231G>A (p.Arg744Gln)

Gene: SORL1 (sortilin related receptor 1; plus strand). Cytogenetic location: 11q24.1.
Variant type: single nucleotide variant.
Coding change: c.2231G>A on transcript NM_003105.6 (MANE Select); coding-DNA position 2231, G replaced by A.
Protein change: p.Arg744Gln; replaces arginine 744 with glutamine.
Molecular consequence: missense variant.
Genome position (GRCh38, 1-based): chr11:121,550,635, G>A. VCF-style: chr11-121550635-G-A. GRCh37 (hg19) VCF-style: chr11-121421344-G-A.
Other names: short protein forms R744Q.
Identifiers: ClinVar variation 1369925 (VCV001369925.8), dbSNP rs1025700218, ClinGen allele CA229894789.

ClinVar aggregate classification (germline): Uncertain significance (1 of 4 stars; one submission).

gnomAD v4.1: 10 of 1,614,138 alleles (0.00062%); highest among the groups gnomAD compares: Admixed American, 0.0017%; no homozygotes.

Submission:

Labcorp Genetics (formerly Invitae), Labcorp
Classification: Uncertain significance. Last evaluated: 2025-12-23. Review status: criteria provided, single submitter. Criteria: Invitae Variant Classification Sherloc (09022015). Collection method: clinical testing. Allele origin: germline.
Comment: This sequence change replaces arginine, which is basic and polar, with glutamine, which is neutral and polar, at codon 744 of the SORL1 protein (p.Arg744Gln). This variant is present in population databases (no rsID available, gnomAD 0.003%). This variant has not been reported in the literature in individuals affected with SORL1-related conditions. ClinVar contains an entry for this variant (Variation ID: 1369925). An algorithm developed to predict the effect of missense changes on protein structure and function (PolyPhen-2) suggests that this variant is likely to be disruptive. In summary, the available evidence is currently insufficient to determine the role of this variant in disease. Therefore, it has been classified as a Variant of Uncertain Significance.